The following is an entry in ClinVar:

ClinVar aggregate classification (germline): Benign. Review status: criteria provided, multiple submitters, no conflicts (2 of 4 stars). 12 submissions from 12 submitters: Benign (9). 3 of the submissions do not count toward it. Last evaluated 2026-02-04.

Conditions:
Deficiency of hydroxymethylglutaryl-CoA lyase (HMGCLD). Also called: Defect in leucine metabolism; 3-hydroxy-3-methylglutaric aciduria; HMGCL DEFICIENCY; HYDROXYMETHYLGLUTARIC ACIDURIA; HMG-CoA LYASE DEFICIENCY. Identifiers: Orphanet 20, MedGen C1533587, MONDO:0009520, OMIM 246450.

Allele frequency attached by ClinVar (database versions not stated): 1000 Genomes Project 0.88738; 1000 Genomes Project 30x 0.89022; gnomAD exomes 0.90198 and 0.91167; ExAC 0.90420; TOPMed 0.92013; gnomAD 0.92276 and 0.92712; ESP Exome Variant Server 0.92626.

Submissions (12):

Labcorp Genetics (formerly Invitae), Labcorp
Classification: Benign for Deficiency of hydroxymethylglutaryl-CoA lyase. Last evaluated: 2026-02-04. Review status: criteria provided, single submitter. Criteria: Invitae Variant Classification Sherloc (09022015). Collection method: clinical testing. Allele origin: germline.

Blueprint Genetics
Classification: Benign. Last evaluated: 2024-11-26. Review status: criteria provided, single submitter. Criteria: ACMG Guidelines, 2015. Collection method: clinical testing. Allele origin: germline.

Mayo Clinic Laboratories, Mayo Clinic
Classification: Benign. Last evaluated: 2022-05-05. Review status: criteria provided, single submitter. Criteria: ACMG Guidelines, 2015. Collection method: clinical testing. Allele origin: germline. Observed: 134 variant alleles.

Genome-Nilou Lab
Classification: Benign for Deficiency of hydroxymethylglutaryl-CoA lyase. Last evaluated: 2021-07-01. Review status: criteria provided, single submitter. Criteria: ACMG Guidelines, 2015. Collection method: clinical testing. Allele origin: germline. Affected: no.

Illumina Laboratory Services, Illumina
Classification: Benign for Deficiency of hydroxymethylglutaryl-CoA lyase. Last evaluated: 2018-01-13. Review status: criteria provided, single submitter. Criteria: ICSL Variant Classification Criteria 13 December 2019. Collection method: clinical testing. Allele origin: germline.
Comment: This variant was observed in the ICSL laboratory as part of a predisposition screen in an ostensibly healthy population. It had not been previously curated by ICSL or reported in the Human Gene Mutation Database (HGMD: prior to June 1st, 2018), and was therefore a candidate for classification through an automated scoring system. Utilizing variant allele frequency, disease prevalence and penetrance estimates, and inheritance mode, an automated score was calculated to assess if this variant is too frequent to cause the disease. Based on the score and internal cut-off values, a variant classified as benign is not then subjected to further curation. The score for this variant resulted in a classification of benign for this disease.

Eurofins Ntd Llc (ga)
Classification: Benign. Last evaluated: 2014-02-10. Review status: criteria provided, single submitter. Criteria: EGL Classification Definitions 2015. Collection method: clinical testing. Allele origin: germline. Observed: 25 variant alleles, 2 heterozygotes, 23 homozygotes.

GeneDx
Classification: Benign. Last evaluated: 2013-05-29. Review status: criteria provided, single submitter. Criteria: GeneDx Variant Classification (06012015). Collection method: clinical testing. Allele origin: germline. Affected: yes.
Comment: This variant is considered likely benign or benign based on one or more of the following criteria: it is a conservative change, it occurs at a poorly conserved position in the protein, it is predicted to be benign by multiple in silico algorithms, and/or has population frequency not consistent with disease.

Breakthrough Genomics
Classification: Benign. Review status: criteria provided, single submitter. Criteria: ACMG Guidelines, 2015. Collection method: not provided. Allele origin: germline. Inheritance: Autosomal recessive inheritance. Affected: yes.

PreventionGenetics, part of Exact Sciences
Classification: Benign. Review status: criteria provided, single submitter. Criteria: ACMG Guidelines, 2015. Collection method: clinical testing. Allele origin: germline.

Natera, Inc.
Classification: Benign for HMG-CoA lyase deficiency. Last evaluated: 2020-09-16. Review status: no assertion criteria provided. Collection method: clinical testing. Allele origin: germline. Not counted in ClinVar's aggregate classification.

Diagnostic Laboratory, Department of Genetics, University Medical Center Groningen
Classification: Benign. Review status: no assertion criteria provided. Collection method: clinical testing. Allele origin: germline. Affected: yes. Study: VKGL Data-share Consensus. Not counted in ClinVar's aggregate classification.

Joint Genome Diagnostic Labs from Nijmegen and Maastricht, Radboudumc and MUMC+
Classification: Benign. Review status: no assertion criteria provided. Collection method: clinical testing. Allele origin: germline. Affected: yes. Study: VKGL Data-share Consensus. Not counted in ClinVar's aggregate classification.

NM_000191.3(HMGCL):c.654A>G (p.Leu218=)

Gene: HMGCL (3-hydroxy-3-methylglutaryl-CoA lyase; minus strand). Cytogenetic location: 1p36.11.
Variant type: single nucleotide variant.
Coding change: c.654A>G on transcript NM_000191.3 (MANE Select); coding-DNA position 654, A replaced by G.
Protein change: p.Leu218=; no amino-acid change (leucine 218 retained).
Molecular consequence: synonymous variant.
Genome position (GRCh38, 1-based): chr1:23,808,231, T>C on the plus strand (A>G on the coding strand, the complement: HMGCL is on the minus strand). VCF-style: chr1-23808231-T-C. GRCh37 (hg19) VCF-style: chr1-24134721-T-C.
Other names: p.L218L:CTA>CTG; p.Leu218=; c.441A>G, p.Leu147= (NM_001166059.2).
Identifiers: ClinVar variation 92602 (VCV000092602.29), dbSNP rs719400, ClinGen allele CA285335.